The following is an entry in ClinVar:

ClinVar aggregate classification (germline): Uncertain significance (1 of 4 stars; one submission).

Submission:

GeneDx
Classification: Uncertain significance. Last evaluated: 2020-12-18. Review status: criteria provided, single submitter. Criteria: GeneDx Variant Classification Process June 2021. Collection method: clinical testing. Allele origin: germline. Affected: yes.
Comment: In silico analysis supports that this variant does not alter protein structure/function; Has not been previously published as pathogenic or benign to our knowledge

NM_176869.3(PPA2):c.25_27delinsTGT (p.Arg9Cys)

Gene: PPA2 (inorganic pyrophosphatase 2; minus strand). Cytogenetic location: 4q24.
Variant type: Indel.
Coding change: c.25_27delinsTGT on transcript NM_176869.3 (MANE Select); coding-DNA positions 25 to 27, CGC replaced by TGT.
Protein change: p.Arg9Cys; replaces arginine 9 with cysteine.
Molecular consequence: missense variant.
Genome position (GRCh38, 1-based): chr4:105,474,024-105,474,026, GCG replaced by ACA on the plus strand (CGC replaced by TGT on the coding strand, the reverse complement: PPA2 is on the minus strand). VCF-style: chr4-105474024-GCG-ACA. GRCh37 (hg19) VCF-style: chr4-106395181-GCG-ACA.
Other names: c.25_27delinsTGT, p.Arg9Cys (NM_006903.4, NM_176866.2, NM_176867.3); short protein forms R9C.
Identifiers: ClinVar variation 1193147 (VCV001193147.2), dbSNP rs2110340203, ClinGen allele CA2499217043.